The following is an entry in ClinVar:

ClinVar aggregate classification (germline): Uncertain significance (1 of 4 stars; one submission).

Conditions:
Inborn genetic diseases. Identifiers: MedGen C0950123, MeSH D030342.

Submission:

Ambry Genetics
Classification: Uncertain significance for Inborn genetic diseases. Last evaluated: 2024-04-24. Review status: criteria provided, single submitter. Criteria: Ambry Variant Classification Scheme 2023. Collection method: clinical testing. Allele origin: germline.
Comment: The p.P455L variant (also known as c.1364C>T), located in coding exon 10 of the EPAS1 gene, results from a C to T substitution at nucleotide position 1364. The proline at codon 455 is replaced by leucine, an amino acid with similar properties. This amino acid position is conserved. In addition, this alteration is predicted to be tolerated by in silico analysis. Based on the available evidence, the clinical significance of this variant remains unclear.

NM_001430.5(EPAS1):c.1364C>T (p.Pro455Leu)

Gene: EPAS1 (endothelial PAS domain protein 1; plus strand). Cytogenetic location: 2p21.
Variant type: single nucleotide variant.
Coding change: c.1364C>T on transcript NM_001430.5 (MANE Select); coding-DNA position 1364, C replaced by T.
Protein change: p.Pro455Leu; replaces proline 455 with leucine.
Molecular consequence: missense variant.
Genome position (GRCh38, 1-based): chr2:46,378,008, C>T. VCF-style: chr2-46378008-C-T. GRCh37 (hg19) VCF-style: chr2-46605147-C-T.
Other names: short protein forms P455L.
Identifiers: ClinVar variation 3275648 (VCV003275648.1).